The following is an entry in ClinVar:

NM_004247.4(EFTUD2):c.1652T>C (p.Leu551Pro)

Gene: EFTUD2 (elongation factor Tu GTP binding domain containing 2; minus strand). Cytogenetic location: 17q21.31.
Variant type: single nucleotide variant.
Coding change: c.1652T>C on transcript NM_004247.4 (MANE Select); coding-DNA position 1652, T replaced by C.
Protein change: p.Leu551Pro; replaces leucine 551 with proline.
Molecular consequence: missense variant.
Genome position (GRCh38, 1-based): chr17:44,860,499, A>G on the plus strand (T>C on the coding strand, the complement: EFTUD2 is on the minus strand). VCF-style: chr17-44860499-A-G. GRCh37 (hg19) VCF-style: chr17-42937867-A-G.
Other names: c.1547T>C, p.Leu516Pro (NM_001142605.2); c.1652T>C, p.Leu551Pro (NM_001258353.2); c.1622T>C, p.Leu541Pro (NM_001258354.2); short protein forms L516P, L541P, L551P.
Identifiers: ClinVar variation 1683300 (VCV001683300.1), dbSNP rs2145461077, ClinGen allele CA399812405.

ClinVar aggregate classification (germline): Uncertain significance (1 of 4 stars; one submission).

Submission:

Women's Health and Genetics/Laboratory Corporation of America, LabCorp
Classification: Uncertain significance. Last evaluated: 2022-04-08. Review status: criteria provided, single submitter. Criteria: LabCorp Variant Classification Summary - May 2015. Collection method: clinical testing. Allele origin: germline.
Comment: Variant summary: EFTUD2 c.1652T>C (p.Leu551Pro) results in a non-conservative amino acid change located in the Translation elongation factor EFTu-like, domain 2 (IPR004161) of the encoded protein sequence. Five of five in-silico tools predict a damaging effect of the variant on protein function. The variant was absent in 251318 control chromosomes. The available data on variant occurrences in the general population are insufficient to allow any conclusion about variant significance. To our knowledge, no occurrence of c.1652T>C in individuals affected with Mandibulofacial Dysostosis-Microcephaly Syndrome and no experimental evidence demonstrating its impact on protein function have been reported. No clinical diagnostic laboratories have submitted clinical-significance assessments for this variant to ClinVar after 2014. Based on the evidence outlined above, the variant was classified as uncertain significance.